The following is an entry in ClinVar:

ClinVar aggregate classification (germline): Pathogenic (1 of 4 stars; one submission).

Submission:

CeGaT Center for Human Genetics Tuebingen
Classification: Pathogenic. Last evaluated: 2025-07-01. Review status: criteria provided, single submitter. Criteria: CeGaT Center For Human Genetics Tuebingen Variant Classification Criteria Version 2. Collection method: clinical testing. Allele origin: germline. Affected: yes. Observed: 1 variant allele.
Comment: KAT6B: PVS1, PM2, PS2:Moderate

NM_012330.4(KAT6B):c.3283G>T (p.Glu1095Ter)

Gene: KAT6B (lysine acetyltransferase 6B; plus strand). Cytogenetic location: 10q22.2.
Variant type: single nucleotide variant.
Coding change: c.3283G>T on transcript NM_012330.4 (MANE Select); coding-DNA position 3283, G replaced by T.
Protein change: p.Glu1095Ter; replaces glutamic acid 1095 with a stop codon.
Molecular consequence: nonsense.
Genome position (GRCh38, 1-based): chr10:75,022,142, G>T. VCF-style: chr10-75022142-G-T. GRCh37 (hg19) VCF-style: chr10-76781900-G-T.
Other names: c.2734G>T, p.Glu912Ter (NM_001256468.2, NM_001370138.1); c.2407G>T, p.Glu803Ter (NM_001256469.2, NM_001370139.1, NM_001370140.1 and 2 more transcripts); c.2245G>T, p.Glu749Ter (NM_001370132.1); c.1594G>T, p.Glu532Ter (NM_001370133.1); c.1198G>T, p.Glu400Ter (NM_001370134.1); c.940G>T, p.Glu314Ter (NM_001370135.1); c.3283G>T, p.Glu1095Ter (NM_001370136.1, NM_001370137.1); c.2218G>T, p.Glu740Ter (NM_001370143.1, NM_001370144.1); short protein forms E1095*, E314*, E400*, E532*, E740*, E749*, E803*, E912*.
Identifiers: ClinVar variation 4085608 (VCV004085608.8).
Genomic context (GRCh38, chr10:75,022,142, plus strand): 5'-GAGGAGGACGAGGAGGAGGAAGAAGAGGAGGAAGAAGAGGAAGAGGATGAAGAGGAGGAA[G>T]AAGAGGAAGAAGAAGAAGAAGAAGAAGAAAATATTCAAAGCTCTCCCCCAAGATTGACGA-3'